The following is an entry in ClinVar:

NM_000518.5(HBB):c.129dup (p.Glu44Ter)

Genes: HBB (hemoglobin subunit beta; minus strand), LOC106099062 (HBB recombination region; plus strand), LOC107133510 (origin of replication at HBB; plus strand). Cytogenetic location: 11p15.4.
Variant type: Duplication.
Coding change: c.129dup on transcript NM_000518.5 (MANE Select); coding-DNA position 129, one base duplicated (T; older notation c.129dupT).
Protein change: p.Glu44Ter; replaces glutamic acid 44 with a stop codon.
Molecular consequence: nonsense.
Genome position (GRCh38, 1-based): chr11:5,226,763, A duplicated on the plus strand (T on the coding strand, the reverse complement: HBB is on the minus strand); the first of 3 consecutive A bases (chr11:5,226,763-5,226,765); duplicating any one gives the same sequence. VCF-style (leftmost placement, unchanged base first): chr11-5226762-C-CA. GRCh37 (hg19) VCF-style: chr11-5247992-C-CA.
Other names: CD 42/43 (+T); short protein forms E44*.
Identifiers: ClinVar variation 869297 (VCV000869297.3), dbSNP rs33979901, ClinGen allele CA217114476.
Genomic context (GRCh38, chr11:5,226,762, plus strand): 5'-GAGCCTTCACCTTAGGGTTGCCCATAACAGCATCAGGAGTGGACAGATCCCCAAAGGACT[C>CA]AAAGAACCTCTGGGTCCAAGGGTAGACCACCAGCAGCCTAAGGGTGGGAAAATAGACCAA-3'

ClinVar aggregate classification (germline): Pathogenic. Review status: criteria provided, multiple submitters, no conflicts (2 of 4 stars). 3 submissions from 3 submitters: Pathogenic (2). 1 of the submissions does not count toward it. Last evaluated 2025-06-20.

Conditions:
Hemoglobinopathy. Also called: Hemoglobin disorder; Haemoglobinopathies. Identifiers: MedGen C0019045, MONDO:0044348.
beta Thalassemia (BTHAL). Also called: Cooley's anemia; Erythroblastic anemia; Mediterranean anemia. Identifiers: Orphanet 848, MedGen C0005283, MONDO:0019402. Disease mechanism: loss of function.

Submissions (3):

Natera, Inc.
Classification: Pathogenic for Beta thalassemia. Last evaluated: 2025-06-20. Review status: criteria provided, single submitter. Criteria: Natera Variant Classification Schema (03/2026). Collection method: clinical testing. Allele origin: germline.
Comment: The c.129dup variant in HBB is a frameshift variant predicted to shift the reading frame and introduce a stop codon. This variant is expected to result in nonsense mediated decay, truncation, or a dysfunctional protein product. This variant is rare in the general population with a frequency below the threshold expected for the associated phenotype(s). This variant has been observed in one or more individuals affected with the associated recessive disease, as either homozygous or compound heterozygous with a second variant (PMID: 33901469). Given the available evidence, this variant is classified as Pathogenic.

Women's Health and Genetics/Laboratory Corporation of America, LabCorp
Classification: Pathogenic for Hemoglobinopathy. Last evaluated: 2021-02-19. Review status: criteria provided, single submitter. Criteria: LabCorp Variant Classification Summary - May 2015. Collection method: clinical testing. Allele origin: germline.
Comment: Variant summary: HBB c.129dupT (p.Glu44X) results in a premature termination codon, predicted to cause a truncation of the encoded protein or absence of the protein due to nonsense mediated decay, which are commonly known mechanisms for disease. Truncations downstream of this position have been classified as pathogenic by our laboratory. The variant was absent in 251398 control chromosomes. c.129dupT has been reported in the literature in at least one individual affected with beta-thallasemia (e.g. Oshima_1996). In addition, a different variant, c.130G>T, which results in the same nonsense amino acid change, p.Glu44X, has been reported in multiple individuals with beta-thalassemia or other hemoglobinpathies in the literature (e.g. Tan_2006, Tang_2015, Peng_2020). To our knowledge, no experimental evidence demonstrating an impact on protein function has been reported. One other ClinVar submitter (evaluation after 2014) has cited the variant as Pathogenic. Based on the evidence outlined above, the variant was classified as pathogenic.

The ITHANET community portal, The Cyprus Institute of Neurology and Genetics
Classification: Pathogenic for beta Thalassemia. Last evaluated: 2019-11-25. Review status: no assertion criteria provided. Collection method: curation. Allele origin: germline. Not counted in ClinVar's aggregate classification.

Literature cited by the submitters: PubMed 33901469 (cited by Natera, Inc.); PubMed 8638609 (cited by Women's Health and Genetics/Laboratory Corporation of America, LabCorp and The ITHANET community portal, The Cyprus Institute of Neurology and Genetics); PubMed 17008283 (cited by Women's Health and Genetics/Laboratory Corporation of America, LabCorp); PubMed 26079343 (cited by Women's Health and Genetics/Laboratory Corporation of America, LabCorp); PubMed 32986258 (cited by Women's Health and Genetics/Laboratory Corporation of America, LabCorp).